The following is an entry in ClinVar:

NM_014639.4(SKIC3):c.3548C>G (p.Ser1183Cys)

Gene: SKIC3 (SKI3 subunit of superkiller complex; minus strand). Cytogenetic location: 5q15.
Variant type: single nucleotide variant.
Coding change: c.3548C>G on transcript NM_014639.4 (MANE Select); coding-DNA position 3548, C replaced by G.
Protein change: p.Ser1183Cys; replaces serine 1183 with cysteine.
Molecular consequence: missense variant.
Genome position (GRCh38, 1-based): chr5:95,498,385, G>C on the plus strand (C>G on the coding strand, the complement: SKIC3 is on the minus strand). VCF-style: chr5-95498385-G-C. GRCh37 (hg19) VCF-style: chr5-94834089-G-C.
Other names: short protein forms S1183C.
Identifiers: ClinVar variation 1460695 (VCV001460695.8), dbSNP rs2112276383, ClinGen allele CA360450424.

ClinVar aggregate classification (germline): Uncertain significance (1 of 4 stars; one submission).

Submission:

Labcorp Genetics (formerly Invitae), Labcorp
Classification: Uncertain significance. Last evaluated: 2024-12-02. Review status: criteria provided, single submitter. Criteria: Invitae Variant Classification Sherloc (09022015). Collection method: clinical testing. Allele origin: germline.
Comment: This sequence change replaces serine, which is neutral and polar, with cysteine, which is neutral and slightly polar, at codon 1183 of the TTC37 protein (p.Ser1183Cys). This variant is not present in population databases (gnomAD no frequency). This variant has not been reported in the literature in individuals affected with TTC37-related conditions. ClinVar contains an entry for this variant (Variation ID: 1460695). An algorithm developed to predict the effect of missense changes on protein structure and function (PolyPhen-2) suggests that this variant is likely to be tolerated. In summary, the available evidence is currently insufficient to determine the role of this variant in disease. Therefore, it has been classified as a Variant of Uncertain Significance.